The following is an entry in ClinVar:

NM_002693.3(POLG):c.3607C>T (p.Pro1203Ser)

Gene: POLG (DNA polymerase gamma, catalytic subunit; minus strand). Cytogenetic location: 15q26.1.
Variant type: single nucleotide variant.
Coding change: c.3607C>T on transcript NM_002693.3 (MANE Select); coding-DNA position 3607, C replaced by T.
Protein change: p.Pro1203Ser; replaces proline 1203 with serine.
Molecular consequence: missense variant.
Genome position (GRCh38, 1-based): chr15:89,317,412, G>A on the plus strand (C>T on the coding strand, the complement: POLG is on the minus strand). VCF-style: chr15-89317412-G-A. GRCh37 (hg19) VCF-style: chr15-89860643-G-A.
Other names: c.3607C>T, p.Pro1203Ser (NM_001126131.2); short protein forms P1203S.
Identifiers: ClinVar variation 1964076 (VCV001964076.5), dbSNP rs2055308529, ClinGen allele CA393747325.

ClinVar aggregate classification (germline): Uncertain significance (1 of 4 stars; one submission).

Conditions:
Progressive sclerosing poliodystrophy (MTDPS4A). Also called: Mitochondrial DNA Depletion Syndrome 4A; ALPERS PROGRESSIVE INFANTILE POLIODYSTROPHY; NEURONAL DEGENERATION OF CHILDHOOD WITH LIVER DISEASE, PROGRESSIVE; Mitochondrial DNA depletion syndrome 4A (Alpers type); Alpers-Huttenlocher Syndrome (AHS); Alpers Syndrome. Identifiers: Orphanet 726, MedGen C0205710, MONDO:0008758, OMIM 203700.

Submission:

Labcorp Genetics (formerly Invitae), Labcorp
Classification: Uncertain significance for Progressive sclerosing poliodystrophy. Last evaluated: 2022-07-12. Review status: criteria provided, single submitter. Criteria: Invitae Variant Classification Sherloc (09022015). Collection method: clinical testing. Allele origin: germline.
Comment: In summary, the available evidence is currently insufficient to determine the role of this variant in disease. Therefore, it has been classified as a Variant of Uncertain Significance. Algorithms developed to predict the effect of missense changes on protein structure and function are either unavailable or do not agree on the potential impact of this missense change (SIFT: "Tolerated"; PolyPhen-2: "Possibly Damaging"; Align-GVGD: "Class C0"). This variant has not been reported in the literature in individuals affected with POLG-related conditions. This variant is not present in population databases (gnomAD no frequency). This sequence change replaces proline, which is neutral and non-polar, with serine, which is neutral and polar, at codon 1203 of the POLG protein (p.Pro1203Ser).